The following is an entry in ClinVar:

ClinVar aggregate classification (germline): Uncertain significance. Review status: criteria provided, multiple submitters, no conflicts (2 of 4 stars). 2 submissions from 2 submitters: Uncertain significance (2). Last evaluated 2025-01-08.

Allele frequency attached by ClinVar (database versions not stated): gnomAD 0.00001; ExAC 0.00002; gnomAD exomes 0.00002 and 0.00007; TOPMed 0.00002.
gnomAD v4.1: 95 of 1,614,036 alleles (0.0059%); highest among the groups gnomAD compares: Non-Finnish European, 0.008%; no homozygotes.

Submissions (2):

Ambry Genetics
Classification: Uncertain significance. Last evaluated: 2025-01-08. Review status: criteria provided, single submitter. Criteria: Ambry Variant Classification Scheme 2023. Collection method: clinical testing. Allele origin: germline.

Labcorp Genetics (formerly Invitae), Labcorp
Classification: Uncertain significance. Last evaluated: 2022-02-05. Review status: criteria provided, single submitter. Criteria: Invitae Variant Classification Sherloc (09022015). Collection method: clinical testing. Allele origin: germline.
Comment: This variant is present in population databases (rs778595280, gnomAD 0.006%). In summary, the available evidence is currently insufficient to determine the role of this variant in disease. Therefore, it has been classified as a Variant of Uncertain Significance. Algorithms developed to predict the effect of missense changes on protein structure and function (SIFT, PolyPhen-2, Align-GVGD) all suggest that this variant is likely to be tolerated. ClinVar contains an entry for this variant (Variation ID: 1042502). This variant has not been reported in the literature in individuals affected with PRPF6-related conditions. This sequence change replaces threonine, which is neutral and polar, with alanine, which is neutral and non-polar, at codon 235 of the PRPF6 protein (p.Thr235Ala).

NM_012469.4(PRPF6):c.703A>G (p.Thr235Ala)

Gene: PRPF6 (pre-mRNA processing factor 6; plus strand). Cytogenetic location: 20q13.33.
Variant type: single nucleotide variant.
Coding change: c.703A>G on transcript NM_012469.4 (MANE Select); coding-DNA position 703, A replaced by G.
Protein change: p.Thr235Ala; replaces threonine 235 with alanine.
Molecular consequence: missense variant.
Genome position (GRCh38, 1-based): chr20:63,995,414, A>G. VCF-style: chr20-63995414-A-G. GRCh37 (hg19) VCF-style: chr20-62626767-A-G.
Other names: c.703A>G (NM_012469.3); short protein forms T235A.
Identifiers: ClinVar variation 1042502 (VCV001042502.10), dbSNP rs778595280, ClinGen allele CA9971970.